The following is an entry in ClinVar:

NM_004333.6(BRAF):c.1999T>C (p.Phe667Leu)

Gene: BRAF (B-Raf proto-oncogene, serine/threonine kinase; minus strand). Cytogenetic location: 7q34.
Variant type: single nucleotide variant.
Coding change: c.1999T>C on transcript NM_004333.6 (MANE Select); coding-DNA position 1999, T replaced by C.
Protein change: p.Phe667Leu; replaces phenylalanine 667 with leucine.
Molecular consequence: missense variant.
Genome position (GRCh38, 1-based): chr7:140,739,940, A>G on the plus strand (T>C on the coding strand, the complement: BRAF is on the minus strand). VCF-style: chr7-140739940-A-G. GRCh37 (hg19) VCF-style: chr7-140439740-A-G.
Other names: c.1999T>C, p.Phe667Leu (NM_001354609.2, NM_001378468.1, NM_001378474.1); c.2119T>C, p.Phe707Leu (NM_001374244.1, NM_001374258.1); c.2008T>C, p.Phe670Leu (NM_001378467.1); c.1933T>C, p.Phe645Leu (NM_001378469.1); c.1897T>C, p.Phe633Leu (NM_001378470.1); c.1888T>C, p.Phe630Leu (NM_001378471.1); c.1843T>C, p.Phe615Leu (NM_001378472.1, NM_001378473.1); c.1735T>C, p.Phe579Leu (NM_001378475.1); short protein forms F579L, F630L, F633L, F615L, F707L, F645L, F667L, F670L.
Identifiers: ClinVar variation 3698820 (VCV003698820.2).
Genomic context (GRCh38, chr7:140,739,940, plus strand): 5'-TTGGACAGTTACTCCGTACCTTACTGAGATCTGGAGACAGGTATCCTCGTCCCACCATAA[A>G]AATTATCTGGAGAGAGAAAAAAAAGGGAAATAATTCAACCTTGTAGATAAGTTGAAAAAT-3'
Protein context (NP_004324.2, residues 657-677): SNINNRDQII[Phe667Leu]MVGRGYLSPD

ClinVar aggregate classification (germline): Uncertain significance (1 of 4 stars; one submission).

Conditions:
RASopathy. Also called: Noonan spectrum disorder; rasopathies. Identifiers: Orphanet 536391, MedGen C5555857, MONDO:0021060.

Submission:

Labcorp Genetics (formerly Invitae), Labcorp
Classification: Uncertain significance for RASopathy. Last evaluated: 2024-04-25. Review status: criteria provided, single submitter. Criteria: Invitae Variant Classification Sherloc (09022015). Collection method: clinical testing. Allele origin: germline.
Comment: This sequence change replaces phenylalanine, which is neutral and non-polar, with leucine, which is neutral and non-polar, at codon 667 of the BRAF protein (p.Phe667Leu). This variant is not present in population databases (gnomAD no frequency). This variant has not been reported in the literature in individuals affected with BRAF-related conditions. Advanced modeling of protein sequence and biophysical properties (such as structural, functional, and spatial information, amino acid conservation, physicochemical variation, residue mobility, and thermodynamic stability) performed at Invitae indicates that this missense variant is expected to disrupt BRAF protein function with a positive predictive value of 80%. In summary, the available evidence is currently insufficient to determine the role of this variant in disease. Therefore, it has been classified as a Variant of Uncertain Significance.